The following is an entry in ClinVar:

ClinVar aggregate classification (germline): Uncertain significance (1 of 4 stars; one submission).

Submission:

Labcorp Genetics (formerly Invitae), Labcorp
Classification: Uncertain significance. Last evaluated: 2024-01-07. Review status: criteria provided, single submitter. Criteria: Invitae Variant Classification Sherloc (09022015). Collection method: clinical testing. Allele origin: germline.
Comment: This sequence change replaces threonine, which is neutral and polar, with proline, which is neutral and non-polar, at codon 562 of the ANKZF1 protein (p.Thr562Pro). This variant is not present in population databases (gnomAD no frequency). This variant has not been reported in the literature in individuals affected with ANKZF1-related conditions. An algorithm developed to predict the effect of missense changes on protein structure and function (PolyPhen-2) suggests that this variant is likely to be disruptive. In summary, the available evidence is currently insufficient to determine the role of this variant in disease. Therefore, it has been classified as a Variant of Uncertain Significance.

NM_018089.3(ANKZF1):c.1684A>C (p.Thr562Pro)

Gene: ANKZF1 (ankyrin repeat and zinc finger peptidyl tRNA hydrolase 1; plus strand). Cytogenetic location: 2q35.
Variant type: single nucleotide variant.
Coding change: c.1684A>C on transcript NM_018089.3 (MANE Select); coding-DNA position 1684, A replaced by C.
Protein change: p.Thr562Pro; replaces threonine 562 with proline.
Molecular consequence: missense variant.
Genome position (GRCh38, 1-based): chr2:219,235,305, A>C. VCF-style: chr2-219235305-A-C. GRCh37 (hg19) VCF-style: chr2-220100027-A-C.
Other names: c.1684A>C, p.Thr562Pro (NM_001042410.2); c.1054A>C, p.Thr352Pro (NM_001282792.2); short protein forms T352P, T562P.
Identifiers: ClinVar variation 2703810 (VCV002703810.3), dbSNP rs2544929914, ClinGen allele CA350683408.
Genomic context (GRCh38, chr2:219,235,305, plus strand): 5'-GCAGCTGCAGCTGGAAGAGGCTCAGTGGTTCGTCTGCTGCTGGAAGCAGGTGCTGACCCC[A>C]CTGTGCAGTGAGTAAAGGTCCCCATCCTGAGTCATTTTGGGTATAGAGAGGATAATTTGG-3'
Protein context (NP_060559.2, residues 552-572): RLLLEAGADP[Thr562Pro]VQDSRARPPY